The following is an entry in ClinVar:

NM_153704.6(TMEM67):c.2083G>C (p.Val695Leu)

Gene: TMEM67 (transmembrane protein 67; plus strand). Cytogenetic location: 8q22.1.
Variant type: single nucleotide variant.
Coding change: c.2083G>C on transcript NM_153704.6 (MANE Select); coding-DNA position 2083, G replaced by C.
Protein change: p.Val695Leu; replaces valine 695 with leucine.
Molecular consequence: missense variant. On other transcripts: non-coding transcript variant (1).
Genome position (GRCh38, 1-based): chr8:93,797,453, G>C. VCF-style: chr8-93797453-G-C. GRCh37 (hg19) VCF-style: chr8-94809681-G-C.
Other names: c.1840G>C, p.Val614Leu (NM_001142301.1); short protein forms V614L, V695L.
Identifiers: ClinVar variation 2206129 (VCV002206129.3), dbSNP rs981039979, ClinGen allele CA181340918.

ClinVar aggregate classification (germline): Uncertain significance. Review status: criteria provided, multiple submitters, no conflicts (2 of 4 stars). 2 submissions from 2 submitters: Uncertain significance (2). Last evaluated 2025-03-24.

Conditions:
Inborn genetic diseases. Identifiers: MedGen C0950123, MeSH D030342.
TMEM67-related disorder. Also called: TMEM67-related disorders; TMEM67-related condition. Identifiers: MedGen CN239423.

Allele frequency attached by ClinVar (database versions not stated): TOPMed below 0.00001; gnomAD 0.00001.
gnomAD v4.1: 7 of 1,613,732 alleles (0.00043%); highest among the groups gnomAD compares: Non-Finnish European, 0.00059%; no homozygotes.

Submissions (2):

PreventionGenetics, part of Exact Sciences
Classification: Uncertain significance for TMEM67-related condition. Last evaluated: 2025-03-24. Review status: criteria provided, single submitter. Criteria: ACMG Guidelines, 2015. Collection method: clinical testing. Allele origin: germline.
Comment: The TMEM67 c.2083G>C variant is predicted to result in the amino acid substitution p.Val695Leu. To our knowledge, this variant has not been reported in the literature. This variant is reported in 0.00088% of alleles in individuals of European (Non-Finnish) descent in gnomAD. At this time, the clinical significance of this variant is uncertain due to the absence of conclusive functional and genetic evidence.

Ambry Genetics
Classification: Uncertain significance for Inborn genetic diseases. Last evaluated: 2022-01-26. Review status: criteria provided, single submitter. Criteria: Ambry Variant Classification Scheme 2023. Collection method: clinical testing. Allele origin: germline.